The following is an entry in ClinVar:

NM_001009944.3(PKD1):c.7112T>C (p.Val2371Ala)

Gene: PKD1 (polycystin 1, transient receptor potential channel interacting; minus strand). Cytogenetic location: 16p13.3.
Variant type: single nucleotide variant.
Coding change: c.7112T>C on transcript NM_001009944.3 (MANE Select); coding-DNA position 7112, T replaced by C.
Protein change: p.Val2371Ala; replaces valine 2371 with alanine.
Molecular consequence: missense variant.
Genome position (GRCh38, 1-based): chr16:2,106,902, A>G on the plus strand (T>C on the coding strand, the complement: PKD1 is on the minus strand). VCF-style: chr16-2106902-A-G. GRCh37 (hg19) VCF-style: chr16-2156903-A-G.
Other names: c.7112T>C, p.Val2371Ala (NM_000296.4); short protein forms V2371A.
Identifiers: ClinVar variation 2617879 (VCV002617879.4), dbSNP rs768915467, ClinGen allele CA7831281.

ClinVar aggregate classification (germline): Uncertain significance. Review status: criteria provided, multiple submitters, no conflicts (2 of 4 stars). 3 submissions from 3 submitters: Uncertain significance (3). Last evaluated 2026-08-06.

Conditions:
Inborn genetic diseases. Identifiers: MedGen C0950123, MeSH D030342.
PKD1-related disorder. Also called: PKD1-related condition.

Allele frequency attached by ClinVar (database versions not stated): ExAC 0.00001; gnomAD 0.00001; TOPMed 0.00001; gnomAD exomes 0.00002.
gnomAD v4.1: 24 of 1,564,954 alleles (0.0015%); highest among the groups gnomAD compares: Non-Finnish European, 0.0019%; no homozygotes.

Submissions (3):

PreventionGenetics, part of Exact Sciences
Classification: Uncertain significance for PKD1-related condition. Last evaluated: 2026-08-06. Review status: criteria provided, single submitter. Criteria: ACMG Guidelines, 2015. Collection method: clinical testing. Allele origin: germline.
Comment: The PKD1 c.7112T>C variant is predicted to result in the amino acid substitution p.Val2371Ala. To our knowledge, this variant has not been reported in the literature. This variant is reported in 0.0074% of alleles in individuals of European (Finnish) descent in gnomAD. At this time, the clinical significance of this variant is uncertain due to the absence of conclusive functional and genetic evidence.

GeneDx
Classification: Uncertain significance. Last evaluated: 2024-09-23. Review status: criteria provided, single submitter. Criteria: GeneDx Variant Classification Process June 2021. Collection method: clinical testing. Allele origin: germline. Affected: yes.
Comment: In silico analysis indicates that this missense variant does not alter protein structure/function; Has not been previously published as pathogenic or benign to our knowledge

Ambry Genetics
Classification: Uncertain significance for Inborn genetic diseases. Last evaluated: 2023-08-10. Review status: criteria provided, single submitter. Criteria: Ambry Variant Classification Scheme 2023. Collection method: clinical testing. Allele origin: germline.